The following is an entry in ClinVar:

NM_000540.3(RYR1):c.4071C>T (p.Pro1357=)

Gene: RYR1 (ryanodine receptor 1; plus strand). Cytogenetic location: 19q13.2.
Variant type: single nucleotide variant.
Coding change: c.4071C>T on transcript NM_000540.3 (MANE Select); coding-DNA position 4071, C replaced by T.
Protein change: p.Pro1357=; no amino-acid change (proline 1357 retained).
Molecular consequence: synonymous variant.
Genome position (GRCh38, 1-based): chr19:38,473,682, C>T. VCF-style: chr19-38473682-C-T. GRCh37 (hg19) VCF-style: chr19-38964322-C-T.
Other names: c.4071C>T, p.Pro1357= (NM_001042723.2).
Identifiers: ClinVar variation 93266 (VCV000093266.34), dbSNP rs375709463, ClinGen allele CA024419.

ClinVar aggregate classification (germline): Benign/Likely benign. Review status: criteria provided, multiple submitters, no conflicts (2 of 4 stars). 8 submissions from 8 submitters: Benign (3); Likely benign (4). 1 of the submissions does not count toward it. Last evaluated 2026-08-01.

Conditions:
RYR1-related disorder. Also called: RYR1-related condition; RYR1-related disorders. Identifiers: MedGen CN239331.
Malignant hyperthermia, susceptibility to, 1 (MHS1). Also called: Anesthesia related hyperthermia; Malignant hyperpyrexia; Fulminating hyperpyrexia; Pharmacogenic myopathy; RYR1-Related Malignant Hyperthermia Susceptibility; Malignant hyperthermia suceptibility 1. Identifiers: Orphanet 423, MedGen C2930980, MONDO:0007783, OMIM 145600.

Allele frequency attached by ClinVar (database versions not stated): ExAC 0.00063; 1000 Genomes Project 0.00319; gnomAD 0.00338 and 0.00354; TOPMed 0.00363; 1000 Genomes Project 30x 0.00390.
gnomAD v4.1: 975 of 1,550,296 alleles (0.063%); highest among the groups gnomAD compares: African/African-American, 1.2%; 6 homozygotes.

Submissions (8):

CeGaT Center for Human Genetics Tuebingen
Classification: Likely benign. Last evaluated: 2026-08-01. Review status: criteria provided, single submitter. Criteria: CeGaT Center For Human Genetics Tuebingen Variant Classification Criteria Version 2. Collection method: clinical testing. Allele origin: germline. Affected: yes. Observed: 4 variant alleles.
Comment: RYR1: BP4, BP7, BS1

Labcorp Genetics (formerly Invitae), Labcorp
Classification: Likely benign for RYR1-related disorder. Last evaluated: 2026-01-28. Review status: criteria provided, single submitter. Criteria: Invitae Variant Classification Sherloc (09022015). Collection method: clinical testing. Allele origin: germline.

Blueprint Genetics
Classification: Likely benign. Last evaluated: 2024-11-01. Review status: criteria provided, single submitter. Criteria: ACMG Guidelines, 2015. Collection method: clinical testing. Allele origin: germline.

Color Diagnostics, LLC DBA Color Health
Classification: Benign for Malignant hyperthermia, susceptibility to, 1. Last evaluated: 2022-11-06. Review status: criteria provided, single submitter. Criteria: ACMG Guidelines, 2015. Collection method: clinical testing. Allele origin: germline.

GeneDx
Classification: Benign. Last evaluated: 2021-03-02. Review status: criteria provided, single submitter. Criteria: GeneDx Variant Classification Process June 2021. Collection method: clinical testing. Allele origin: germline. Affected: yes.
Comment: This variant is associated with the following publications: (PMID: 16763879)

Eurofins Ntd Llc (ga)
Classification: Benign. Last evaluated: 2016-12-22. Review status: criteria provided, single submitter. Criteria: EGL Classification Definitions 2015. Collection method: clinical testing. Allele origin: germline. Observed: 3 variant alleles, 3 heterozygotes.

Breakthrough Genomics
Classification: Likely benign. Review status: criteria provided, single submitter. Criteria: ACMG Guidelines, 2015. Collection method: not provided. Allele origin: germline. Inheritance: Autosomal recessive inheritance. Affected: yes.

PreventionGenetics, part of Exact Sciences
Classification: Benign for RYR1-related condition. Last evaluated: 2019-10-26. Review status: no assertion criteria provided. Collection method: clinical testing. Allele origin: germline. Not counted in ClinVar's aggregate classification.
Comment: This variant is classified as benign based on ACMG/AMP sequence variant interpretation guidelines (Richards et al. 2015 PMID: 25741868, with internal and published modifications).